The following is an entry in ClinVar:

ClinVar aggregate classification (germline): Uncertain significance (1 of 4 stars; one submission).

Allele frequency attached by ClinVar (database versions not stated): gnomAD exomes below 0.00001.
gnomAD v4.1: 5 of 1,611,374 alleles (0.00031%); highest among the groups gnomAD compares: Non-Finnish European, 0.00034%; no homozygotes.

Submission:

Labcorp Genetics (formerly Invitae), Labcorp
Classification: Uncertain significance. Last evaluated: 2022-08-09. Review status: criteria provided, single submitter. Criteria: Invitae Variant Classification Sherloc (09022015). Collection method: clinical testing. Allele origin: germline.
Comment: ClinVar contains an entry for this variant (Variation ID: 1525568). This variant has not been reported in the literature in individuals affected with C7-related conditions. This variant is not present in population databases (gnomAD no frequency). This sequence change replaces serine, which is neutral and polar, with cysteine, which is neutral and slightly polar, at codon 510 of the C7 protein (p.Ser510Cys). Algorithms developed to predict the effect of missense changes on protein structure and function are either unavailable or do not agree on the potential impact of this missense change (SIFT: "Deleterious"; PolyPhen-2: "Probably Damaging"; Align-GVGD: "Class C0"). In summary, the available evidence is currently insufficient to determine the role of this variant in disease. Therefore, it has been classified as a Variant of Uncertain Significance.

NM_000587.4(C7):c.1528A>T (p.Ser510Cys)

Gene: C7 (complement C7; plus strand). Cytogenetic location: 5p13.1.
Variant type: single nucleotide variant.
Coding change: c.1528A>T on transcript NM_000587.4 (MANE Select); coding-DNA position 1528, A replaced by T.
Protein change: p.Ser510Cys; replaces serine 510 with cysteine.
Molecular consequence: missense variant.
Genome position (GRCh38, 1-based): chr5:40,959,487, A>T. VCF-style: chr5-40959487-A-T. GRCh37 (hg19) VCF-style: chr5-40959589-A-T.
Other names: short protein forms S510C.
Identifiers: ClinVar variation 1525568 (VCV001525568.6), dbSNP rs2111668007, ClinGen allele CA359587788.